The following is an entry in ClinVar:

ClinVar aggregate classification (germline): Uncertain significance. Review status: criteria provided, multiple submitters, no conflicts (2 of 4 stars). 2 submissions from 2 submitters: Uncertain significance (2). Last evaluated 2025-12-30.

Conditions:
Inborn genetic diseases. Identifiers: MedGen C0950123, MeSH D030342.
Combined immunodeficiency due to DOCK8 deficiency (HIES2). Also called: Hyper-IgE recurrent infection syndrome, autosomal recessive; DOCK8 Deficiency; HYPER-IgE RECURRENT INFECTION SYNDROME 2, AUTOSOMAL RECESSIVE; HIES autosomal recessive; HYPER-IgE SYNDROME 2, AUTOSOMAL RECESSIVE, WITH RECURRENT INFECTIONS. Identifiers: Orphanet 217390, MedGen C4722305, MONDO:0009478, OMIM 243700.

Allele frequency attached by ClinVar (database versions not stated): gnomAD exomes 0.00001 and 0.00003; ExAC 0.00002; 1000 Genomes Project 30x 0.00016; 1000 Genomes Project 0.00020.
gnomAD v4.1: 23 of 1,614,178 alleles (0.0014%); highest among the groups gnomAD compares: African/African-American, 0.025%; no homozygotes.

Submissions (2):

Labcorp Genetics (formerly Invitae), Labcorp
Classification: Uncertain significance for Combined immunodeficiency due to DOCK8 deficiency. Last evaluated: 2025-12-30. Review status: criteria provided, single submitter. Criteria: Invitae Variant Classification Sherloc (09022015). Collection method: clinical testing. Allele origin: germline.
Comment: This sequence change replaces serine, which is neutral and polar, with phenylalanine, which is neutral and non-polar, at codon 1706 of the DOCK8 protein (p.Ser1706Phe). This variant is present in population databases (rs144987765, gnomAD 0.03%). This variant has not been reported in the literature in individuals affected with DOCK8-related conditions. ClinVar contains an entry for this variant (Variation ID: 1421259). Invitae Evidence Modeling of protein sequence and biophysical properties (such as structural, functional, and spatial information, amino acid conservation, physicochemical variation, residue mobility, and thermodynamic stability) indicates that this missense variant is expected to disrupt DOCK8 protein function with a positive predictive value of 80%. In summary, the available evidence is currently insufficient to determine the role of this variant in disease. Therefore, it has been classified as a Variant of Uncertain Significance.

Ambry Genetics
Classification: Uncertain significance for Inborn genetic diseases. Last evaluated: 2025-08-08. Review status: criteria provided, single submitter. Criteria: Ambry Variant Classification Scheme 2023. Collection method: clinical testing. Allele origin: germline.

NM_203447.4(DOCK8):c.5117C>T (p.Ser1706Phe)

Gene: DOCK8 (dedicator of cytokinesis 8; plus strand). Cytogenetic location: 9p24.3.
Variant type: single nucleotide variant.
Coding change: c.5117C>T on transcript NM_203447.4 (MANE Select); coding-DNA position 5117, C replaced by T.
Protein change: p.Ser1706Phe; replaces serine 1706 with phenylalanine.
Molecular consequence: missense variant.
Genome position (GRCh38, 1-based): chr9:439,282, C>T. VCF-style: chr9-439282-C-T. GRCh37 (hg19) VCF-style: chr9-439282-C-T.
Other names: c.4817C>T, p.Ser1606Phe (NM_001190458.2); c.4913C>T, p.Ser1638Phe (NM_001193536.2); c.5117C>T (NM_203447.3); short protein forms S1606F, S1638F, S1706F.
Identifiers: ClinVar variation 1421259 (VCV001421259.5), dbSNP rs144987765, ClinGen allele CA4959311.